The following is an entry in ClinVar:

NM_006580.4(CLDN16):c.235C>T (p.Arg79Ter)

Gene: CLDN16 (claudin 16; plus strand). Cytogenetic location: 3q28.
Variant type: single nucleotide variant.
Coding change: c.235C>T on transcript NM_006580.4 (MANE Select); coding-DNA position 235, C replaced by T.
Protein change: p.Arg79Ter; replaces arginine 79 with a stop codon.
Molecular consequence: nonsense.
Genome position (GRCh38, 1-based): chr3:190,404,779, C>T. VCF-style: chr3-190404779-C-T. GRCh37 (hg19) VCF-style: chr3-190122568-C-T.
Other names: c.235C>T, p.Arg79Ter (NM_001378492.1, NM_001378493.1); short protein forms R149*, R79*.
Identifiers: ClinVar variation 5925 (VCV000005925.11), dbSNP rs104893720, ClinGen allele CA117857.

ClinVar aggregate classification (germline): Pathogenic. Review status: criteria provided, multiple submitters, no conflicts (2 of 4 stars). 8 submissions from 8 submitters: Pathogenic (6). 2 of the submissions do not count toward it. Last evaluated 2025-05-01.

Conditions:
Primary hypomagnesemia (HOMG3). Also called: HYPOMAGNESEMIA, FAMILIAL, WITH HYPERCALCIURIA AND NEPHROCALCINOSIS; HYPOMAGNESEMIA, ISOLATED RENAL; HYPOMAGNESEMIA, PRIMARY, DUE TO DEFECT IN RENAL TUBULAR TRANSPORT OF MAGNESIUM; HYPOMAGNESEMIA 3, RENAL. Identifiers: Orphanet 31043, MedGen C0268448, MONDO:0009550, OMIM 248250.

Allele frequency attached by ClinVar (database versions not stated): gnomAD exomes below 0.00001; ExAC 0.00001.

Submissions (8):

Rare Kidney Stone Consortium and the Mayo Clinic Hyperoxaluria Center, Mayo Clinic
Classification: Pathogenic for Primary hypomagnesemia. Last evaluated: 2025-05-01. Review status: criteria provided, single submitter. Criteria: ACMG Guidelines, 2015. Collection method: research. Allele origin: germline. Affected: yes. Observed: 2 variant alleles.
Comment: ACMG: PVS1, PS1, PM2,PM3, PP4

2 x homozygotes

Labcorp Genetics (formerly Invitae), Labcorp
Classification: Pathogenic. Last evaluated: 2024-05-19. Review status: criteria provided, single submitter. Criteria: Invitae Variant Classification Sherloc (09022015). Collection method: clinical testing. Allele origin: germline.
Comment: This sequence change creates a premature translational stop signal (p.Arg149*) in the CLDN16 gene. It is expected to result in an absent or disrupted protein product. Loss-of-function variants in CLDN16 are known to be pathogenic (PMID: 10390358, 10878661, 18003771, 25852890). This variant is present in population databases (rs104893720, gnomAD 0.0009%). This premature translational stop signal has been observed in individuals with hypomagnesemia (PMID: 10390358, 32860008). ClinVar contains an entry for this variant (Variation ID: 5925). Algorithms developed to predict the effect of sequence changes on RNA splicing suggest that this variant may disrupt the consensus splice site. For these reasons, this variant has been classified as Pathogenic.

Genomic Medicine Center of Excellence, King Faisal Specialist Hospital and Research Centre
Classification: Pathogenic for Primary hypomagnesemia. Last evaluated: 2024-03-26. Review status: criteria provided, single submitter. Criteria: ACMG Guidelines, 2015. Collection method: clinical testing. Allele origin: germline.

3billion
Classification: Pathogenic for Primary hypomagnesemia. Last evaluated: 2023-12-08. Review status: criteria provided, single submitter. Criteria: ACMG Guidelines, 2015. Collection method: clinical testing. Allele origin: germline. Affected: yes.
Comment: The variant is observed at an extremely low frequency in the gnomAD v2.1.1 dataset (total allele frequency: <0.001%). Predicted Consequence/Location: Stop-gained (nonsense): predicted to result in a loss or disruption of normal protein function through nonsense-mediated decay (NMD) or protein truncation. Multiple pathogenic variants are reported downstream of the variant. The variant has been reported at least twice as pathogenic with clinical assertions and evidence for the classification (ClinVar ID: VCV000005925 /PMID: 10390358). Therefore, this variant is classified as Pathogenic according to the recommendation of ACMG/AMP guideline.

Baylor Genetics
Classification: Pathogenic for Primary hypomagnesemia. Last evaluated: 2021-12-24. Review status: criteria provided, single submitter. Criteria: ACMG Guidelines, 2015. Collection method: clinical testing. Allele origin: unknown.

CENTOGENE GmbH and LLC - Guiding Precision Medicine
Classification: Pathogenic for Primary hypomagnesemia. Review status: criteria provided, single submitter. Criteria: ACMG Guidelines, 2015. Collection method: clinical testing. Allele origin: germline. Affected: yes.

Biochemical Molecular Genetic Laboratory, King Abdulaziz Medical City
Classification: Pathogenic for Primary hypomagnesemia. Last evaluated: 2018-07-10. Review status: no assertion criteria provided. Collection method: clinical testing. Allele origin: germline. Affected: yes. Not counted in ClinVar's aggregate classification.

OMIM
Classification: Pathogenic for HYPOMAGNESEMIA 3, RENAL. Last evaluated: 1999-07-02. Review status: no assertion criteria provided. Collection method: literature only. Allele origin: germline. Not counted in ClinVar's aggregate classification.

Literature cited by the submitters: PubMed 33879512 (cited by Rare Kidney Stone Consortium and the Mayo Clinic Hyperoxaluria Center, Mayo Clinic); PubMed 34805638 (cited by Rare Kidney Stone Consortium and the Mayo Clinic Hyperoxaluria Center, Mayo Clinic); PubMed 32860008 (cited by 3 submitters); PubMed 25525159 (cited by Rare Kidney Stone Consortium and the Mayo Clinic Hyperoxaluria Center, Mayo Clinic); PubMed 10390358 (cited by 4 submitters); PubMed 10878661 (cited by Labcorp Genetics (formerly Invitae), Labcorp); PubMed 18003771 (cited by Labcorp Genetics (formerly Invitae), Labcorp); PubMed 25852890 (cited by Labcorp Genetics (formerly Invitae), Labcorp).